The following is an entry in ClinVar:

ClinVar aggregate classification (germline): Pathogenic. Review status: reviewed by expert panel (3 of 4 stars). 5 submissions from 5 submitters: Pathogenic (1). 4 of the submissions do not count toward it. Last evaluated 2016-10-18.

Conditions:
Hereditary cancer-predisposing syndrome. Also called: Hereditary Cancer Syndrome; Neoplastic Syndromes, Hereditary; Hereditary neoplastic syndrome; Tumor predisposition. Identifiers: Orphanet 140162, MedGen C0027672, MeSH D009386, MONDO:0015356.
Hereditary breast ovarian cancer syndrome. Also called: Hereditary breast and ovarian cancer syndrome (HBOC); Breast and ovarian cancer; Hereditary breast and ovarian cancer syndrome; Hereditary breast and ovarian cancer; BRCA1- and BRCA2-Associated Hereditary Breast and Ovarian Cancer; Hereditary breast and/or ovarian cancer syndrome. Identifiers: Orphanet 145, MedGen C0677776, MeSH D061325, MONDO:0003582. Disease mechanism: loss of function.
Breast-ovarian cancer, familial, susceptibility to, 1 (BROVCA1). Also called: BRCA1 Hereditary Breast and Ovarian Cancer; OVARIAN CANCER, SUSCEPTIBILITY TO. Identifiers: Orphanet 145, MedGen C2676676, MONDO:0011450, OMIM 604370. Disease mechanism: loss of function.

Allele frequency attached by ClinVar (database versions not stated): gnomAD exomes below 0.00001.
gnomAD v4.1: 1 of 1,613,674 alleles (0.000062%); highest among the groups gnomAD compares: African/African-American, 0.0013%; no homozygotes.

Submissions (5):

Evidence-based Network for the Interpretation of Germline Mutant Alleles (ENIGMA)
Classification: Pathogenic for Breast-ovarian cancer, familial, susceptibility to, 1. Last evaluated: 2016-10-18. Review status: reviewed by expert panel. Criteria: ENIGMA BRCA1/2 Classification Criteria (2015). Collection method: curation. Allele origin: germline.
Comment: Variant allele predicted to encode a truncated non-functional protein.

Quest Diagnostics Nichols Institute San Juan Capistrano
Classification: Pathogenic. Last evaluated: 2022-10-18. Review status: criteria provided, single submitter. Criteria: Quest Diagnostics criteria. Collection method: clinical testing. Allele origin: unknown. Not counted in ClinVar's aggregate classification.
Comment: This nonsense variant causes the premature termination of BRCA1 protein synthesis. This variant has not been reported in large, multi-ethnic general populations. In the published literature, the variant has been reported in individuals with breast cancer (PMID: 33471991 (2021) see also LOVD) and families with increased risk for hereditary breast and/or ovarian cancer (PMID: 29446198 (2018)). Based on the available information, this variant is classified as pathogenic.

Labcorp Genetics (formerly Invitae), Labcorp
Classification: Pathogenic for Hereditary breast ovarian cancer syndrome. Last evaluated: 2022-08-08. Review status: criteria provided, single submitter. Criteria: Invitae Variant Classification Sherloc (09022015). Collection method: clinical testing. Allele origin: germline. Not counted in ClinVar's aggregate classification.
Comment: Algorithms developed to predict the effect of sequence changes on RNA splicing suggest that this variant may disrupt the consensus splice site. ClinVar contains an entry for this variant (Variation ID: 266475). This premature translational stop signal has been observed in individual(s) with increased risk for hereditary breast and ovarian cancer (PMID: 29446198). This variant is not present in population databases (gnomAD no frequency). This sequence change creates a premature translational stop signal (p.Glu1470*) in the BRCA1 gene. It is expected to result in an absent or disrupted protein product. Loss-of-function variants in BRCA1 are known to be pathogenic (PMID: 20104584). For these reasons, this variant has been classified as Pathogenic.

Ambry Genetics
Classification: Pathogenic for Hereditary cancer-predisposing syndrome. Last evaluated: 2019-09-25. Review status: criteria provided, single submitter. Criteria: Ambry Variant Classification Scheme 2023. Collection method: clinical testing. Allele origin: germline. Not counted in ClinVar's aggregate classification.
Comment: The p.E1470* pathogenic mutation (also known as c.4408G>T), located in coding exon 12 of the BRCA1 gene, results from a G to T substitution at nucleotide position 4408. This changes the amino acid from a glutamic acid to a stop codon within coding exon 12. This alteration was identified in a large, worldwide study of BRCA1/2 mutation positive families (Rebbeck TR et al. Hum. Mutat., 2018 05;39:593-620). In addition to the clinical data presented in the literature, this alteration is expected to result in loss of function by premature protein truncation or nonsense-mediated mRNA decay. As such, this alteration is interpreted as a disease-causing mutation.

Consortium of Investigators of Modifiers of BRCA1/2 (CIMBA), c/o University of Cambridge
Classification: Pathogenic for Breast-ovarian cancer, familial, susceptibility to, 1. Last evaluated: 2015-10-02. Review status: criteria provided, single submitter. Criteria: CIMBA Mutation Classification guidelines May 2016. Collection method: clinical testing. Allele origin: germline. Not counted in ClinVar's aggregate classification.

Literature cited by the submitters: PubMed 33471991 (cited by Quest Diagnostics Nichols Institute San Juan Capistrano); PubMed 29446198 (cited by 3 submitters); PubMed 20104584 (cited by Labcorp Genetics (formerly Invitae), Labcorp).

NM_007294.4(BRCA1):c.4408G>T (p.Glu1470Ter)

Gene: BRCA1 (BRCA1 DNA repair associated; minus strand). Cytogenetic location: 17q21.31.
Variant type: single nucleotide variant.
Coding change: c.4408G>T on transcript NM_007294.4 (MANE Select); coding-DNA position 4408, G replaced by T.
Protein change: p.Glu1470Ter; replaces glutamic acid 1470 with a stop codon.
Molecular consequence: nonsense. On other transcripts: non-coding transcript variant (1).
Genome position (GRCh38, 1-based): chr17:43,076,564, C>A on the plus strand (G>T on the coding strand, the complement: BRCA1 is on the minus strand). VCF-style: chr17-43076564-C-A. GRCh37 (hg19) VCF-style: chr17-41228581-C-A.
Other names: 4527G>T; c.973G>T, p.Glu325Ter (NM_001408442.1, NM_001408443.1, NM_001408444.1 and 10 more transcripts); c.970G>T, p.Glu324Ter (NM_001408445.1, NM_001408446.1, NM_001408447.1 and 2 more transcripts); c.964G>T, p.Glu322Ter (NM_001408451.1); c.958G>T, p.Glu320Ter (NM_001408452.1, NM_001408453.1, NM_001408454.1 and 3 more transcripts); c.955G>T, p.Glu319Ter (NM_001408458.1, NM_001408459.1, NM_001408460.1 and 7 more transcripts); c.895G>T, p.Glu299Ter (NM_001408476.1, NM_001408475.1); c.889G>T, p.Glu297Ter (NM_001408478.1, NM_001408479.1, NM_001408480.1); and 69 more; short protein forms E1470*, E366*, E1423*, E1491*, E1341*, E1358*, E1380*, E1382*.
Identifiers: ClinVar variation 266475 (VCV000266475.15), dbSNP rs886040230, ClinGen allele CA10589664.